The following is an entry in ClinVar:

ClinVar aggregate classification (germline): Uncertain significance (1 of 4 stars; one submission).

Conditions:
Hereditary cancer-predisposing syndrome. Also called: Neoplastic Syndromes, Hereditary; Tumor predisposition; Hereditary neoplastic syndrome; Hereditary Cancer Syndrome. Identifiers: Orphanet 140162, MedGen C0027672, MeSH D009386, MONDO:0015356.
Cardiovascular phenotype. Identifiers: MedGen CN230736.

Allele frequency attached by ClinVar (database versions not stated): gnomAD exomes below 0.00001; ExAC 0.00001; gnomAD 0.00001; TOPMed 0.00001.
gnomAD v4.1: 3 of 1,613,588 alleles (0.00019%); highest among the groups gnomAD compares: Non-Finnish European, 0.00017%; no homozygotes.

Submission:

Ambry Genetics
Classification: Uncertain significance for Cardiovascular phenotype; Hereditary cancer-predisposing syndrome. Last evaluated: 2022-01-19. Review status: criteria provided, single submitter. Criteria: Ambry Variant Classification Scheme 2023. Collection method: clinical testing. Allele origin: germline.
Comment: The p.F1458L variant (also known as c.4374C>G), located in coding exon 33 of the NF1 gene, results from a C to G substitution at nucleotide position 4374. The phenylalanine at codon 1458 is replaced by leucine, an amino acid with highly similar properties. This amino acid position is highly conserved in available vertebrate species. In addition, this alteration is predicted to be deleterious by in silico analysis. Since supporting evidence is limited at this time, the clinical significance of this alteration remains unclear.

NM_001042492.3(NF1):c.4437C>G (p.Phe1479Leu)

Gene: NF1 (neurofibromin 1; plus strand). Cytogenetic location: 17q11.2.
Variant type: single nucleotide variant.
Coding change: c.4437C>G on transcript NM_001042492.3 (MANE Select); coding-DNA position 4437, C replaced by G.
Protein change: p.Phe1479Leu; replaces phenylalanine 1479 with leucine.
Molecular consequence: missense variant.
Genome position (GRCh38, 1-based): chr17:31,260,375, C>G. VCF-style: chr17-31260375-C-G. GRCh37 (hg19) VCF-style: chr17-29587393-C-G.
Other names: c.4374C>G, p.Phe1458Leu (NM_000267.4); short protein forms F1479L, F1458L.
Identifiers: ClinVar variation 824839 (VCV000824839.4), dbSNP rs757953485, ClinGen allele CA8486422.
Genomic context (GRCh38, chr17:31,260,375, plus strand): 5'-ATAAGTCTGGGTGTATCTGGTGTTGAAAATTCTAATGACTTTGCATTTTTGAAGGTTTTT[C>G]CTTGATATAGCATCTGATTGTCCTACAAGTGATGCAGTAAATCATAGTCTTTCCTTCATA-3'
Protein context (NP_001035957.1, residues 1469-1489): KSNFDAARRF[Phe1479Leu]LDIASDCPTS